The following is an entry in ClinVar:

ClinVar aggregate classification (germline): Uncertain significance (1 of 4 stars; one submission).

gnomAD v4.1: 10 of 1,613,700 alleles (0.00062%); highest among the groups gnomAD compares: Non-Finnish European, 0.00085%; no homozygotes.

Submission:

CeGaT Center for Human Genetics Tuebingen
Classification: Uncertain significance. Last evaluated: 2025-08-01. Review status: criteria provided, single submitter. Criteria: CeGaT Center For Human Genetics Tuebingen Variant Classification Criteria Version 2. Collection method: clinical testing. Allele origin: germline. Affected: yes. Observed: 1 variant allele.
Comment: TBK1: PM2:Supporting, PS3:Supporting, PS4:Supporting

NM_013254.4(TBK1):c.64A>C (p.Asn22His)

Gene: TBK1 (TANK binding kinase 1; plus strand). Cytogenetic location: 12q14.2.
Variant type: single nucleotide variant.
Coding change: c.64A>C on transcript NM_013254.4 (MANE Select); coding-DNA position 64, A replaced by C.
Protein change: p.Asn22His; replaces asparagine 22 with histidine.
Molecular consequence: missense variant.
Genome position (GRCh38, 1-based): chr12:64,455,934, A>C. VCF-style: chr12-64455934-A-C. GRCh37 (hg19) VCF-style: chr12-64849714-A-C.
Other names: short protein forms N22H.
Identifiers: ClinVar variation 4084669 (VCV004084669.8).